The following is an entry in ClinVar:

ClinVar aggregate classification (germline): Uncertain significance (1 of 4 stars; one submission).

Conditions:
Myoclonic dystonia 26. Identifiers: MedGen C4225341, MONDO:0014620, OMIM 616398.

Allele frequency attached by ClinVar (database versions not stated): gnomAD exomes below 0.00001; gnomAD 0.00001.
gnomAD v4.1: 6 of 1,603,316 alleles (0.00037%); highest among the groups gnomAD compares: Non-Finnish European, 0.00051%; no homozygotes.

Submission:

Labcorp Genetics (formerly Invitae), Labcorp
Classification: Uncertain significance for Myoclonic dystonia 26. Last evaluated: 2022-02-19. Review status: criteria provided, single submitter. Criteria: Invitae Variant Classification Sherloc (09022015). Collection method: clinical testing. Allele origin: germline.
Comment: In summary, the available evidence is currently insufficient to determine the role of this variant in disease. Therefore, it has been classified as a Variant of Uncertain Significance. Algorithms developed to predict the effect of missense changes on protein structure and function are either unavailable or do not agree on the potential impact of this missense change (SIFT: "Deleterious"; PolyPhen-2: "Possibly Damaging"; Align-GVGD: "Class C0"). This variant has not been reported in the literature in individuals affected with KCTD17-related conditions. The frequency data for this variant in the population databases is considered unreliable, as metrics indicate poor data quality at this position in the gnomAD database. This sequence change replaces aspartic acid, which is acidic and polar, with histidine, which is basic and polar, at codon 102 of the KCTD17 protein (p.Asp102His).

NM_001282684.2(KCTD17):c.283G>C (p.Asp95His)

Gene: KCTD17 (potassium channel tetramerization domain containing 17; plus strand). Cytogenetic location: 22q12.3.
Variant type: single nucleotide variant.
Coding change: c.283G>C on transcript NM_001282684.2 (MANE Select); coding-DNA position 283, G replaced by C.
Protein change: p.Asp95His; replaces aspartic acid 95 with histidine.
Molecular consequence: missense variant.
Genome position (GRCh38, 1-based): chr22:37,053,193, G>C. VCF-style: chr22-37053193-G-C. GRCh37 (hg19) VCF-style: chr22-37449233-G-C.
Other names: c.283G>C, p.Asp95His (NM_001282685.2, NM_001282686.2, NM_024681.4); short protein forms D95H.
Identifiers: ClinVar variation 2071637 (VCV002071637.4), dbSNP rs1196558342, ClinGen allele CA411413476.